The following is an entry in ClinVar:

ClinVar aggregate classification (germline): Conflicting classifications of pathogenicity. Review status: criteria provided, conflicting classifications (1 of 4 stars). 2 submissions from 2 submitters: Uncertain significance (1); Benign (1). Last evaluated 2022-12-01.

Conditions:
Epilepsy, early-onset, with or without developmental delay. Identifiers: MedGen C5882670, MONDO:0030005, OMIM 618832.
Neurodevelopmental disorder with speech impairment and dysmorphic facies. Identifiers: MedGen C5436699, MONDO:0033630, OMIM 619056.

Submissions (2):

CeGaT Center for Human Genetics Tuebingen
Classification: Benign. Last evaluated: 2022-12-01. Review status: criteria provided, single submitter. Criteria: CeGaT Center For Human Genetics Tuebingen Variant Classification Criteria Version 2. Collection method: clinical testing. Allele origin: germline. Affected: yes. Observed: 4 variant alleles.
Comment: SETD1A: BS1, BS2

Department of Pathology and Laboratory Medicine, Sinai Health System
Classification: Uncertain significance for Epilepsy, early-onset, with or without developmental delay; Neurodevelopmental disorder with speech impairment and dysmorphic facies. Last evaluated: 2021-09-30. Review status: criteria provided, single submitter. Criteria: ACMG Guidelines, 2015. Collection method: research. Allele origin: germline.

NM_014712.3(SETD1A):c.1361AAG[1] (p.Glu455del)

Gene: SETD1A (SET domain containing 1A, histone lysine methyltransferase; plus strand). Cytogenetic location: 16p11.2.
Variant type: Microsatellite.
Coding change: c.1361AAG[1] on transcript NM_014712.3 (MANE Select); one copy of the 3-base unit AAG starting at c.1361; the reference has two copies in a row; one copy, 3 bases deleted.
Protein change: p.Glu455del; deletes glutamic acid 455.
Molecular consequence: inframe deletion.
Genome position (GRCh38, 1-based): chr16:30,965,106-30,965,108, AAG deleted; deleting any 3 consecutive bases within chr16:30,965,101-30,965,108 gives the same sequence; the position shown is the placement nearest the transcript's 3' end. VCF-style (leftmost placement, unchanged base first): chr16-30965100-GAGA-G. GRCh37 (hg19) VCF-style: chr16-30976421-GAGA-G.
Other names: short protein forms E455del.
Identifiers: ClinVar variation 2646429 (VCV002646429.25), dbSNP rs765988427, ClinGen allele CA8016660.